The following is an entry in ClinVar:

ClinVar aggregate classification (germline): Uncertain significance. Review status: criteria provided, multiple submitters, no conflicts (2 of 4 stars). 4 submissions from 4 submitters: Uncertain significance (4). Last evaluated 2025-08-05.

Conditions:
Hereditary nonpolyposis colorectal neoplasms. Identifiers: MedGen C0009405, MeSH D003123.
Hereditary cancer-predisposing syndrome. Also called: Hereditary neoplastic syndrome; Hereditary Cancer Syndrome; Neoplastic Syndromes, Hereditary; Tumor predisposition. Identifiers: Orphanet 140162, MedGen C0027672, MeSH D009386, MONDO:0015356.

Submissions (4):

Color Diagnostics, LLC DBA Color Health
Classification: Uncertain significance for Hereditary cancer-predisposing syndrome. Last evaluated: 2025-08-05. Review status: criteria provided, single submitter. Criteria: ACMG Guidelines, 2015. Collection method: clinical testing. Allele origin: germline.
Comment: This missense variant replaces serine with proline at codon 668 of the MSH6 protein. Computational prediction is inconclusive regarding the impact of this variant on protein structure and function. To our knowledge, functional studies have not been reported for this variant. This variant has not been reported in individuals affected with MSH6-related disorders in the literature. This variant has not been identified in the general population by the Genome Aggregation Database (gnomAD). The available evidence is insufficient to determine the role of this variant in disease conclusively. Therefore, this variant is classified as a Variant of Uncertain Significance.

Ambry Genetics
Classification: Uncertain significance for Hereditary cancer-predisposing syndrome. Last evaluated: 2025-01-25. Review status: criteria provided, single submitter. Criteria: Ambry Variant Classification Scheme 2023. Collection method: clinical testing. Allele origin: germline.
Comment: The p.S668P variant (also known as c.2002T>C), located in coding exon 4 of the MSH6 gene, results from a T to C substitution at nucleotide position 2002. The serine at codon 668 is replaced by proline, an amino acid with similar properties. This amino acid position is well conserved in available vertebrate species. In addition, the in silico prediction for this alteration is inconclusive. Since supporting evidence is limited at this time, the clinical significance of this alteration remains unclear.

Labcorp Genetics (formerly Invitae), Labcorp
Classification: Uncertain significance for Hereditary nonpolyposis colorectal neoplasms. Last evaluated: 2024-10-29. Review status: criteria provided, single submitter. Criteria: Invitae Variant Classification Sherloc (09022015). Collection method: clinical testing. Allele origin: germline.
Comment: This sequence change replaces serine, which is neutral and polar, with proline, which is neutral and non-polar, at codon 668 of the MSH6 protein (p.Ser668Pro). This variant is not present in population databases (gnomAD no frequency). This variant has not been reported in the literature in individuals affected with MSH6-related conditions. ClinVar contains an entry for this variant (Variation ID: 234550). Invitae Evidence Modeling of protein sequence and biophysical properties (such as structural, functional, and spatial information, amino acid conservation, physicochemical variation, residue mobility, and thermodynamic stability) indicates that this missense variant is not expected to disrupt MSH6 protein function with a negative predictive value of 95%. In summary, the available evidence is currently insufficient to determine the role of this variant in disease. Therefore, it has been classified as a Variant of Uncertain Significance.

GeneDx
Classification: Uncertain significance. Last evaluated: 2016-11-08. Review status: criteria provided, single submitter. Criteria: GeneDx Variant Classification (06012015). Collection method: clinical testing. Allele origin: germline. Affected: yes.
Comment: This variant is denoted MSH6 c.2002T>C at the cDNA level, p.Ser668Pro (S668P) at the protein level, and results in the change of a Serine to a Proline (TCC>CCC). This variant has not, to our knowledge, been published in the literature as being pathogenic or benign. MSH6 Ser668Pro was not observed in approximately 6,500 individuals of European and African American ancestry in the NHLBI Exome Sequencing Project, suggesting it is not a common benign variant in these populations. Since Serine and Proline differ in polarity, charge, size or other properties, this is considered a non-conservative amino acid substitution. MSH6 Ser668Pro occurs at a position that is not conserved and is located in MutS domain II (Terui 2013). In silico analyses predict that this variant is probably damaging to protein structure and function. Based on currently available evidence, it is unclear whether MSH6 Ser668Pro is pathogenic or benign. We consider it to be a variant of uncertain significance.

NM_000179.3(MSH6):c.2002T>C (p.Ser668Pro)

Gene: MSH6 (mutS homolog 6; plus strand). Cytogenetic location: 2p16.3.
Variant type: single nucleotide variant.
Coding change: c.2002T>C on transcript NM_000179.3 (MANE Select); coding-DNA position 2002, T replaced by C.
Protein change: p.Ser668Pro; replaces serine 668 with proline.
Molecular consequence: missense variant.
Genome position (GRCh38, 1-based): chr2:47,799,985, T>C. VCF-style: chr2-47799985-T-C. GRCh37 (hg19) VCF-style: chr2-48027124-T-C.
Other names: c.1612T>C, p.Ser538Pro (NM_001281492.2); c.1096T>C, p.Ser366Pro (NM_001281493.2, NM_001281494.2); short protein forms S668P, S366P, S538P.
Identifiers: ClinVar variation 234550 (VCV000234550.17), dbSNP rs876661080, ClinGen allele CA10577271.